The following is an entry in ClinVar:

NM_152305.3(POGLUT1):c.17G>T (p.Ser6Ile)

Gene: POGLUT1 (protein O-glucosyltransferase 1; plus strand). Cytogenetic location: 3q13.33.
Variant type: single nucleotide variant.
Coding change: c.17G>T on transcript NM_152305.3 (MANE Select); coding-DNA position 17, G replaced by T.
Protein change: p.Ser6Ile; replaces serine 6 with isoleucine.
Molecular consequence: missense variant. On other transcripts: non-coding transcript variant (1).
Genome position (GRCh38, 1-based): chr3:119,469,038, G>T. VCF-style: chr3-119469038-G-T. GRCh37 (hg19) VCF-style: chr3-119187885-G-T.
Other names: c.17G>T, p.Ser6Ile (NM_020231.3); short protein forms S6I.
Identifiers: ClinVar variation 2634854 (VCV002634854.3), dbSNP rs749876526, ClinGen allele CA354034046.

ClinVar aggregate classification (germline): Uncertain significance. Review status: criteria provided, multiple submitters, no conflicts (2 of 4 stars). 2 submissions from 2 submitters: Uncertain significance (2). Last evaluated 2025-10-27.

Conditions:
POGLUT1-related disorder. Also called: POGLUT1-related condition.

gnomAD v4.1: 4 of 1,608,874 alleles (0.00025%); highest among the groups gnomAD compares: Middle Eastern, 0.02%; no homozygotes.

Submissions (2):

Labcorp Genetics (formerly Invitae), Labcorp
Classification: Uncertain significance. Last evaluated: 2025-10-27. Review status: criteria provided, single submitter. Criteria: Invitae Variant Classification Sherloc (09022015). Collection method: clinical testing. Allele origin: germline.
Comment: This sequence change replaces serine, which is neutral and polar, with isoleucine, which is neutral and non-polar, at codon 6 of the POGLUT1 protein (p.Ser6Ile). This variant is not present in population databases (gnomAD no frequency). This variant has not been reported in the literature in individuals affected with POGLUT1-related conditions. ClinVar contains an entry for this variant (Variation ID: 2634854). An algorithm developed to predict the effect of missense changes on protein structure and function (PolyPhen-2) suggests that this variant is likely to be tolerated. In summary, the available evidence is currently insufficient to determine the role of this variant in disease. Therefore, it has been classified as a Variant of Uncertain Significance.

PreventionGenetics, part of Exact Sciences
Classification: Uncertain significance for POGLUT1-related condition. Last evaluated: 2023-01-11. Review status: criteria provided, single submitter. Criteria: ACMG Guidelines, 2015. Collection method: clinical testing. Allele origin: germline.
Comment: The POGLUT1 c.17G>T variant is predicted to result in the amino acid substitution p.Ser6Ile. To our knowledge, this variant has not been reported in the literature or in a large population database, indicating this variant is rare. At this time, the clinical significance of this variant is uncertain due to the absence of conclusive functional and genetic evidence.